The following is an entry in ClinVar:

ClinVar aggregate classification (germline): Uncertain significance (1 of 4 stars; one submission).

Allele frequency attached by ClinVar (database versions not stated): TOPMed below 0.00001; gnomAD exomes 0.00001; ExAC 0.00002.
gnomAD v4.1: 32 of 1,613,834 alleles (0.002%); highest among the groups gnomAD compares: Non-Finnish European, 0.0027%; no homozygotes.

Submission:

Labcorp Genetics (formerly Invitae), Labcorp
Classification: Uncertain significance. Last evaluated: 2025-05-08. Review status: criteria provided, single submitter. Criteria: Invitae Variant Classification Sherloc (09022015). Collection method: clinical testing. Allele origin: germline.
Comment: This sequence change replaces serine, which is neutral and polar, with arginine, which is basic and polar, at codon 178 of the ACVR1 protein (p.Ser178Arg). This variant is present in population databases (rs759844485, gnomAD 0.003%). This variant has not been reported in the literature in individuals affected with ACVR1-related conditions. ClinVar contains an entry for this variant (Variation ID: 1492903). An algorithm developed to predict the effect of missense changes on protein structure and function (PolyPhen-2) suggests that this variant is likely to be disruptive. In summary, the available evidence is currently insufficient to determine the role of this variant in disease. Therefore, it has been classified as a Variant of Uncertain Significance.

NM_001111067.4(ACVR1):c.532A>C (p.Ser178Arg)

Gene: ACVR1 (activin A receptor type 1; minus strand). Cytogenetic location: 2q24.1.
Variant type: single nucleotide variant.
Coding change: c.532A>C on transcript NM_001111067.4 (MANE Select); coding-DNA position 532, A replaced by C.
Protein change: p.Ser178Arg; replaces serine 178 with arginine.
Molecular consequence: missense variant.
Genome position (GRCh38, 1-based): chr2:157,778,142, T>G on the plus strand (A>C on the coding strand, the complement: ACVR1 is on the minus strand). VCF-style: chr2-157778142-T-G. GRCh37 (hg19) VCF-style: chr2-158634654-T-G.
Other names: c.532A>C, p.Ser178Arg (NM_001105.5, NM_001347663.1, NM_001347664.1 and 3 more transcripts); short protein forms S178R.
Identifiers: ClinVar variation 1492903 (VCV001492903.6), dbSNP rs759844485, ClinGen allele CA1919139.